The following is an entry in ClinVar:

ClinVar aggregate classification (germline): Uncertain significance (1 of 4 stars; one submission).

Submission:

GeneDx
Classification: Uncertain significance. Last evaluated: 2023-11-09. Review status: criteria provided, single submitter. Criteria: GeneDx Variant Classification Process June 2021. Collection method: clinical testing. Allele origin: germline. Affected: yes.
Comment: Not observed at significant frequency in large population cohorts (gnomAD); In silico analysis supports that this missense variant has a deleterious effect on protein structure/function; Has not been previously published as pathogenic or benign to our knowledge

NM_001655.5(ARCN1):c.421G>C (p.Glu141Gln)

Gene: ARCN1 (archain 1; plus strand). Cytogenetic location: 11q23.3.
Variant type: single nucleotide variant.
Coding change: c.421G>C on transcript NM_001655.5 (MANE Select); coding-DNA position 421, G replaced by C.
Protein change: p.Glu141Gln; replaces glutamic acid 141 with glutamine.
Molecular consequence: missense variant.
Genome position (GRCh38, 1-based): chr11:118,583,332, G>C. VCF-style: chr11-118583332-G-C. GRCh37 (hg19) VCF-style: chr11-118454047-G-C.
Other names: c.157G>C, p.Glu53Gln (NM_001142281.2, NM_001425081.1); c.421G>C, p.Glu141Gln (NM_001425073.1, NM_001425077.1, NM_001425078.1); c.418G>C, p.Glu140Gln (NM_001425074.1, NM_001425079.1); c.364G>C, p.Glu122Gln (NM_001425075.1); c.352G>C, p.Glu118Gln (NM_001425076.1); short protein forms E118Q, E122Q, E140Q, E141Q, E53Q.
Identifiers: ClinVar variation 2663717 (VCV002663717.1), dbSNP rs2497682434, ClinGen allele CA382804649.